The following is an entry in ClinVar:

NM_003072.5(SMARCA4):c.2274+5G>A

Gene: SMARCA4 (SWI/SNF related BAF chromatin remodeling complex subunit ATPase 4; plus strand). Cytogenetic location: 19p13.2.
Variant type: single nucleotide variant.
Coding change: c.2274+5G>A on transcript NM_003072.5 (MANE Select); 5 bases into the intron after coding-DNA position 2274, G replaced by A.
Molecular consequence: intron variant.
Genome position (GRCh38, 1-based): chr19:11,010,536, G>A. VCF-style: chr19-11010536-G-A. GRCh37 (hg19) VCF-style: chr19-11121212-G-A.
Other names: c.2274+5G>A (NM_001128844.3, NM_001128849.3, NM_001128847.4 and 5 more transcripts).
Identifiers: ClinVar variation 1377884 (VCV001377884.6), dbSNP rs775519333, ClinGen allele CA9204039.

ClinVar aggregate classification (germline): Uncertain significance (1 of 4 stars; one submission).

Conditions:
Rhabdoid tumor predisposition syndrome 2 (RTPS2). Identifiers: Orphanet 231108, Orphanet 69077, MedGen C2750074, MONDO:0013224, OMIM 613325.

Allele frequency attached by ClinVar (database versions not stated): gnomAD exomes below 0.00001; ExAC 0.00001.
gnomAD v4.1: 1 of 1,613,284 alleles (0.000062%); highest among the groups gnomAD compares: Non-Finnish European, 0.000085%; no homozygotes.

Submission:

Labcorp Genetics (formerly Invitae), Labcorp
Classification: Uncertain significance for Rhabdoid tumor predisposition syndrome 2. Last evaluated: 2021-08-27. Review status: criteria provided, single submitter. Criteria: Invitae Variant Classification Sherloc (09022015). Collection method: clinical testing. Allele origin: germline.
Comment: This sequence change falls in intron 15 of the SMARCA4 gene. It does not directly change the encoded amino acid sequence of the SMARCA4 protein. It affects a nucleotide within the consensus splice site of the intron. This variant is present in population databases (rs775519333, ExAC 0.002%). This variant has not been reported in the literature in individuals affected with SMARCA4-related conditions. Variants that disrupt the consensus splice site are a relatively common cause of aberrant splicing (PMID: 17576681, 9536098). Algorithms developed to predict the effect of sequence changes on RNA splicing suggest that this variant may disrupt the consensus splice site. In summary, the available evidence is currently insufficient to determine the role of this variant in disease. Therefore, it has been classified as a Variant of Uncertain Significance.

Literature cited by the submitters: PubMed 17576681; PubMed 9536098.